The following is an entry in ClinVar:

ClinVar aggregate classification (germline): Likely benign (0 of 4 stars; one submission).

Conditions:
ADCY3-related disorder. Also called: ADCY3-related condition.

gnomAD v4.1: 4 of 1,613,480 alleles (0.00025%); highest among the groups gnomAD compares: South Asian, 0.0044%; no homozygotes.

Submission:

PreventionGenetics, part of Exact Sciences
Classification: Likely benign for ADCY3-related condition. Last evaluated: 2022-04-28. Review status: no assertion criteria provided. Collection method: clinical testing. Allele origin: germline.
Comment: This variant is classified as likely benign based on ACMG/AMP sequence variant interpretation guidelines (Richards et al. 2015 PMID: 25741868, with internal and published modifications).

NM_004036.5(ADCY3):c.1806-8C>T

Gene: ADCY3 (adenylate cyclase 3; minus strand). Cytogenetic location: 2p23.3.
Variant type: single nucleotide variant.
Coding change: c.1806-8C>T on transcript NM_004036.5 (MANE Select); 8 bases into the intron before coding-DNA position 1806, C replaced by T.
Molecular consequence: intron variant.
Genome position (GRCh38, 1-based): chr2:24,834,654, G>A on the plus strand (C>T on the coding strand, the complement: ADCY3 is on the minus strand). VCF-style: chr2-24834654-G-A. GRCh37 (hg19) VCF-style: chr2-25057523-G-A.
Other names: c.1806-8C>T (NM_001377130.1, NM_001377129.1, NM_001320613.2 and 1 more transcripts); c.1872-8C>T (NM_001377128.1); c.1083-8C>T (NM_001377131.1).
Identifiers: ClinVar variation 3353717 (VCV003353717.1).